The following is an entry in ClinVar:

NM_001384900.1(SEMA3D):c.1746C>G (p.Thr582=)

Gene: SEMA3D (semaphorin 3D; minus strand). Cytogenetic location: 7q21.11.
Variant type: single nucleotide variant.
Coding change: c.1746C>G on transcript NM_001384900.1 (MANE Select); coding-DNA position 1746, C replaced by G.
Protein change: p.Thr582=; no amino-acid change (threonine 582 retained).
Molecular consequence: synonymous variant.
Genome position (GRCh38, 1-based): chr7:85,012,804, G>C on the plus strand (C>G on the coding strand, the complement: SEMA3D is on the minus strand). VCF-style: chr7-85012804-G-C. GRCh37 (hg19) VCF-style: chr7-84642120-G-C.
Other names: c.1746C>G, p.Thr582= (NM_001384901.1, NM_001384902.1, NM_001384903.1 and 1 more transcripts).
Identifiers: ClinVar variation 3031047 (VCV003031047.2), dbSNP rs372151810, ClinGen allele CA4323303.

ClinVar aggregate classification (germline): Likely benign (0 of 4 stars; one submission).

Conditions:
SEMA3D-related disorder. Also called: SEMA3D-related condition.

Allele frequency attached by ClinVar (database versions not stated): ExAC 0.00002; gnomAD 0.00004; ESP Exome Variant Server 0.00008; TOPMed 0.00008; gnomAD exomes 0.00012.
gnomAD v4.1: 177 of 1,610,346 alleles (0.011%); highest among the groups gnomAD compares: Non-Finnish European, 0.015%; no homozygotes.

Submission:

PreventionGenetics, part of Exact Sciences
Classification: Likely benign for SEMA3D-related condition. Last evaluated: 2021-07-13. Review status: no assertion criteria provided. Collection method: clinical testing. Allele origin: germline.
Comment: This variant is classified as likely benign based on ACMG/AMP sequence variant interpretation guidelines (Richards et al. 2015 PMID: 25741868, with internal and published modifications).